The following is an entry in ClinVar:

NM_016169.4(SUFU):c.217A>G (p.Met73Val)

Gene: SUFU (SUFU negative regulator of hedgehog signaling; plus strand). Cytogenetic location: 10q24.32.
Variant type: single nucleotide variant.
Coding change: c.217A>G on transcript NM_016169.4 (MANE Select); coding-DNA position 217, A replaced by G.
Protein change: p.Met73Val; replaces methionine 73 with valine.
Molecular consequence: missense variant.
Genome position (GRCh38, 1-based): chr10:102,509,203, A>G. VCF-style: chr10-102509203-A-G. GRCh37 (hg19) VCF-style: chr10-104268960-A-G.
Other names: c.217A>G, p.Met73Val (NM_001178133.2); short protein forms M73V.
Identifiers: ClinVar variation 3451145 (VCV003451145.1).
Genomic context (GRCh38, chr10:102,509,203, plus strand): 5'-ACACCCCTGTGTTTTGTTTTTTGCAGGTTGGGTGGCCCAGACCCCTTGGACTATGTTAGC[A>G]TGTACAGGAATGTGGGGAGCCCTTCTGCTAACATCCCCGAGCACTGGCACTACATCAGCT-3'
Protein context (NP_057253.2, residues 63-83): GGPDPLDYVS[Met73Val]YRNVGSPSAN

ClinVar aggregate classification (germline): Uncertain significance (1 of 4 stars; one submission).

Conditions:
Hereditary cancer-predisposing syndrome. Also called: Tumor predisposition; Neoplastic Syndromes, Hereditary; Hereditary neoplastic syndrome; Hereditary Cancer Syndrome. Identifiers: Orphanet 140162, MedGen C0027672, MeSH D009386, MONDO:0015356.

gnomAD v4.1: 2 of 1,614,186 alleles (0.00012%); highest among the groups gnomAD compares: Non-Finnish European, 0.00017%; no homozygotes.

Submission:

Ambry Genetics
Classification: Uncertain significance for Hereditary cancer-predisposing syndrome. Last evaluated: 2024-11-28. Review status: criteria provided, single submitter. Criteria: Ambry Variant Classification Scheme 2023. Collection method: clinical testing. Allele origin: germline.
Comment: The p.M73V variant (also known as c.217A>G), located in coding exon 2 of the SUFU gene, results from an A to G substitution at nucleotide position 217. The methionine at codon 73 is replaced by valine, an amino acid with highly similar properties. This amino acid position is conserved. In addition, this alteration is predicted to be deleterious by in silico analysis. Based on the available evidence, the clinical significance of this variant remains unclear.